The following is an entry in ClinVar:

NM_152564.5(VPS13B):c.1735A>G (p.Ile579Val)

Gene: VPS13B (vacuolar protein sorting 13 homolog B; plus strand). Cytogenetic location: 8q22.2.
Variant type: single nucleotide variant.
Coding change: c.1735A>G on transcript NM_152564.5 (MANE Select); coding-DNA position 1735, A replaced by G.
Protein change: p.Ile579Val; replaces isoleucine 579 with valine.
Molecular consequence: missense variant.
Genome position (GRCh38, 1-based): chr8:99,143,057, A>G. VCF-style: chr8-99143057-A-G. GRCh37 (hg19) VCF-style: chr8-100155285-A-G.
Other names: c.1735A>G, p.Ile579Val (NM_015243.3, NM_017890.5); c.1735A>G (NM_017890.3); short protein forms I579V.
Identifiers: ClinVar variation 1424905 (VCV001424905.5), dbSNP rs750419805, ClinGen allele CA4822726.
Genomic context (GRCh38, chr8:99,143,057, plus strand): 5'-TCTTCAGGGAAAAGTGAAGATTTGGGAACAGTTCAGGAGAAGTCCACCAAAAGCCTTGTT[A>G]TAGGTCCTCTTGATTTTCGTTTGGATAGCAGTGCGGTGCATAGGATTTTGAAAATGATTG-3'
Protein context (NP_689777.3, residues 569-589): VQEKSTKSLV[Ile579Val]GPLDFRLDSS

ClinVar aggregate classification (germline): Uncertain significance. Review status: criteria provided, multiple submitters, no conflicts (2 of 4 stars). 3 submissions from 3 submitters: Uncertain significance (3). Last evaluated 2025-05-25.

Conditions:
Inborn genetic diseases. Identifiers: MedGen C0950123, MeSH D030342.
Cohen syndrome (COH1). Also called: Cutis verticis gyrata, retinitis pigmentosa, and sensorineural deafness; PEPPER SYNDROME. Identifiers: Orphanet 193, MedGen C0265223, MONDO:0008999, OMIM 216550.

Allele frequency attached by ClinVar (database versions not stated): gnomAD exomes 0.00001 and 0.00002; ExAC 0.00002; gnomAD 0.00002.
gnomAD v4.1: 30 of 1,613,926 alleles (0.0019%); highest among the groups gnomAD compares: Non-Finnish European, 0.0025%; no homozygotes.

Submissions (3):

Ambry Genetics
Classification: Uncertain significance for Inborn genetic diseases. Last evaluated: 2025-05-25. Review status: criteria provided, single submitter. Criteria: Ambry Variant Classification Scheme 2023. Collection method: clinical testing. Allele origin: germline.

Labcorp Genetics (formerly Invitae), Labcorp
Classification: Uncertain significance for Cohen syndrome. Last evaluated: 2022-03-07. Review status: criteria provided, single submitter. Criteria: Invitae Variant Classification Sherloc (09022015). Collection method: clinical testing. Allele origin: germline.
Comment: This sequence change replaces isoleucine, which is neutral and non-polar, with valine, which is neutral and non-polar, at codon 579 of the VPS13B protein (p.Ile579Val). This variant is present in population databases (rs750419805, gnomAD 0.004%). This variant has not been reported in the literature in individuals affected with VPS13B-related conditions. Algorithms developed to predict the effect of missense changes on protein structure and function output the following: SIFT: "Not Available"; PolyPhen-2: "Benign"; Align-GVGD: "Not Available". The valine amino acid residue is found in multiple mammalian species, which suggests that this missense change does not adversely affect protein function. Algorithms developed to predict the effect of sequence changes on RNA splicing suggest that this variant may create or strengthen a splice site. In summary, the available evidence is currently insufficient to determine the role of this variant in disease. Therefore, it has been classified as a Variant of Uncertain Significance.

Blueprint Genetics
Classification: Uncertain significance. Last evaluated: 2022-02-07. Review status: criteria provided, single submitter. Criteria: ACMG Guidelines, 2015. Collection method: clinical testing. Allele origin: germline.